The following is an entry in ClinVar:

NM_206933.4(USH2A):c.8363_8366del (p.Asn2788fs)

Gene: USH2A (usherin; minus strand). Cytogenetic location: 1q41.
Variant type: Deletion.
Coding change: c.8363_8366del on transcript NM_206933.4 (MANE Select); coding-DNA positions 8363 to 8366, 4 bases deleted (ATTA; older notation c.8363_8366delATTA).
Protein change: p.Asn2788fs; shifts the reading frame from asparagine 2788.
Molecular consequence: frameshift variant.
Genome position (GRCh38, 1-based): chr1:215,878,956-215,878,959, TAAT deleted on the plus strand (ATTA on the coding strand, the reverse complement: USH2A is on the minus strand); deleting any 4 consecutive bases within chr1:215,878,956-215,878,961 gives the same sequence; the c. name uses the placement nearest the transcript's 3' end. VCF-style (leftmost placement, unchanged base first): chr1-215878955-ATAAT-A. GRCh37 (hg19) VCF-style: chr1-216052297-ATAAT-A.
Other names: short protein forms N2788fs.
Identifiers: ClinVar variation 5004210 (VCV005004210.1).

ClinVar aggregate classification (germline): Pathogenic (1 of 4 stars; one submission).

Conditions:
USH2A-related disorder. Also called: USH2A-related disorders; USH2A-related condition. Identifiers: MedGen CN239332.

Submission:

Myriad Genetics, Inc.
Classification: Pathogenic for USH2A-related disorder. Last evaluated: 2025-10-07. Review status: criteria provided, single submitter. Criteria: Myriad Autosomal Dominant, Autosomal Recessive and X-Linked Classification Criteria (2023). Collection method: clinical testing. Allele origin: unknown.
Comment: NM_206933.2(USH2A):c.8363_8366delATTA(N2788Ifs*41) is a frameshift variant classified as pathogenic in the context of USH2A-related disorders. N2788Ifs*41 has not been observed in cases with relevant disease. Relevant functional assessments of this variant are not available in the literature. N2788Ifs*41 has not been observed in referenced population frequency databases. In summary, NM_206933.2(USH2A):c.8363_8366delATTA(N2788Ifs*41) is a frameshift variant in a gene where loss of function is a known mechanism of disease and is predicted to disrupt protein function. Please note: this variant was assessed in the context of healthy population screening.